The following is an entry in ClinVar:

NM_014989.7(RIMS1):c.3497C>A (p.Ser1166Tyr)

Gene: RIMS1 (regulating synaptic membrane exocytosis 1; plus strand). Cytogenetic location: 6q13.
Variant type: single nucleotide variant.
Coding change: c.3497C>A on transcript NM_014989.7 (MANE Select); coding-DNA position 3497, C replaced by A.
Protein change: p.Ser1166Tyr; replaces serine 1166 with tyrosine.
Molecular consequence: missense variant. On other transcripts: intron variant (33).
Genome position (GRCh38, 1-based): chr6:72,284,061, C>A. VCF-style: chr6-72284061-C-A. GRCh37 (hg19) VCF-style: chr6-72993764-C-A.
Other names: c.1640C>A, p.Ser547Tyr (NM_001168407.2, NM_001350422.2, NM_001350438.2 and 1 more transcripts); c.1400C>A, p.Ser467Tyr (NM_001168409.2, NM_001350469.2); c.1598C>A, p.Ser533Tyr (NM_001168410.2); c.1724C>A, p.Ser575Tyr (NM_001350415.2, NM_001350445.2); c.1643C>A, p.Ser548Tyr (NM_001350416.2, NM_001350417.2, NM_001350442.2 and 2 more transcripts); c.1490C>A, p.Ser497Tyr (NM_001350426.2, NM_001350460.2); c.1574C>A, p.Ser525Tyr (NM_001350428.2); c.1571C>A, p.Ser524Tyr (NM_001350430.2); and 30 more; short protein forms S494Y, S497Y, S533Y, S573Y, S611Y, S1166Y, S466Y, S467Y.
Identifiers: ClinVar variation 1383474 (VCV001383474.8), dbSNP rs988782938, ClinGen allele CA140894812.

ClinVar aggregate classification (germline): Uncertain significance (1 of 4 stars; one submission).

Allele frequency attached by ClinVar (database versions not stated): gnomAD exomes below 0.00001.
gnomAD v4.1: 1 of 1,612,864 alleles (0.000062%); highest among the groups gnomAD compares: South Asian, 0.0011%; no homozygotes.

Submission:

Labcorp Genetics (formerly Invitae), Labcorp
Classification: Uncertain significance. Last evaluated: 2021-02-04. Review status: criteria provided, single submitter. Criteria: Invitae Variant Classification Sherloc (09022015). Collection method: clinical testing. Allele origin: germline.
Comment: This sequence change replaces serine with tyrosine at codon 1166 of the RIMS1 protein (p.Ser1166Tyr). The serine residue is moderately conserved and there is a large physicochemical difference between serine and tyrosine. In summary, the available evidence is currently insufficient to determine the role of this variant in disease. Therefore, it has been classified as a Variant of Uncertain Significance. Algorithms developed to predict the effect of missense changes on protein structure and function are either unavailable or do not agree on the potential impact of this missense change (SIFT: "Deleterious"; PolyPhen-2: "Benign"; Align-GVGD: "Class C0"). This variant has not been reported in the literature in individuals with RIMS1-related conditions. This variant is not present in population databases (ExAC no frequency).